The following is an entry in ClinVar:

NM_002875.5(RAD51):c.531-14C>T

Gene: RAD51 (RAD51 recombinase; plus strand). Cytogenetic location: 15q15.1.
Variant type: single nucleotide variant.
Coding change: c.531-14C>T on transcript NM_002875.5 (MANE Select); 14 bases into the intron before coding-DNA position 531, C replaced by T.
Molecular consequence: intron variant.
Genome position (GRCh38, 1-based): chr15:40,728,697, C>T. VCF-style: chr15-40728697-C-T. GRCh37 (hg19) VCF-style: chr15-41020895-C-T.
Other names: c.534-14C>T (NM_133487.4, NM_001164269.2); c.531-14C>T (NM_001164270.2).
Identifiers: ClinVar variation 2776069 (VCV002776069.4), dbSNP rs777659449, ClinGen allele CA7484047.

ClinVar aggregate classification (germline): Benign/Likely benign. Review status: criteria provided, multiple submitters, no conflicts (2 of 4 stars). 2 submissions from 2 submitters: Benign (1); Likely benign (1). Last evaluated 2025-03-17.

Allele frequency attached by ClinVar (database versions not stated): ExAC 0.00001.
gnomAD v4.1: 17 of 1,607,758 alleles (0.0011%); highest among the groups gnomAD compares: Non-Finnish European, 0.00043%; no homozygotes.

Submissions (2):

Labcorp Genetics (formerly Invitae), Labcorp
Classification: Likely benign. Last evaluated: 2025-03-17. Review status: criteria provided, single submitter. Criteria: Invitae Variant Classification Sherloc (09022015). Collection method: clinical testing. Allele origin: germline.

Women's Health and Genetics/Laboratory Corporation of America, LabCorp
Classification: Benign. Last evaluated: 2024-01-19. Review status: criteria provided, single submitter. Criteria: LabCorp Variant Classification Summary - May 2015. Collection method: clinical testing. Allele origin: germline.
Comment: Variant summary: RAD51 c.531-14C>T alters a non-conserved nucleotide located at a position not widely known to affect splicing. Consensus agreement among computation tools predict no significant impact on normal splicing. However, these predictions have yet to be confirmed by functional studies. The variant allele was found at a frequency of 1.1e-05 in 1607758 control chromosomes. The observed variant frequency is approximately 26.43 fold of the estimated maximal expected allele frequency for a pathogenic variant in RAD51 causing Congenital Mirror Movement Disorder phenotype (4e-07), strongly suggesting that the variant is benign. To our knowledge, no occurrence of c.531-14C>T in individuals affected with Congenital Mirror Movement Disorder and no experimental evidence demonstrating its impact on protein function have been reported. No submitters have cited clinical-significance assessments for this variant to ClinVar. Based on the evidence outlined above, the variant was classified as benign.